The following is an entry in ClinVar:

NM_000179.3(MSH6):c.4002-14T>C

Gene: MSH6 (mutS homolog 6; plus strand). Cytogenetic location: 2p16.3.
Variant type: single nucleotide variant.
Coding change: c.4002-14T>C on transcript NM_000179.3 (MANE Select); 14 bases into the intron before coding-DNA position 4002, T replaced by C.
Molecular consequence: intron variant.
Genome position (GRCh38, 1-based): chr2:47,806,765, T>C. VCF-style: chr2-47806765-T-C. GRCh37 (hg19) VCF-style: chr2-48033904-T-C.
Other names: c.3096-14T>C (NM_001281493.2, NM_001281494.2); c.3612-14T>C (NM_001281492.2).
Identifiers: ClinVar variation 138262 (VCV000138262.16), dbSNP rs587781041, ClinGen allele CA015255.

ClinVar aggregate classification (germline): Benign/Likely benign. Review status: criteria provided, multiple submitters, no conflicts (2 of 4 stars). 8 submissions from 8 submitters: Benign (1); Likely benign (6). 1 of the submissions does not count toward it. Last evaluated 2025-03-04.

Conditions:
Hereditary cancer-predisposing syndrome. Also called: Tumor predisposition; Hereditary Cancer Syndrome; Neoplastic Syndromes, Hereditary; Hereditary neoplastic syndrome. Identifiers: Orphanet 140162, MedGen C0027672, MeSH D009386, MONDO:0015356.
Lynch syndrome. Identifiers: Orphanet 144, MedGen C4552100, MONDO:0005835. Disease mechanism: loss of function.
Lynch syndrome 5 (LYNCH5). Also called: Colorectal cancer, hereditary nonpolyposis, type 5; Hereditary non-polyposis colorectal cancer, type 5. Identifiers: Orphanet 144, MedGen C1833477, MONDO:0013710, OMIM 614350. Disease mechanism: loss of function.
Familial cancer of breast. Also called: hereditary breast carcinoma; BREAST CANCER, FAMILIAL; Hereditary breast cancer. Identifiers: Orphanet 227535, MedGen C0346153, MONDO:0016419, OMIM 114480. Disease mechanism: loss of function.

Allele frequency attached by ClinVar (database versions not stated): gnomAD exomes 0.00002 and 0.00004; gnomAD 0.00003; TOPMed 0.00003; ExAC 0.00004.

Submissions (8):

Center for Genomic Medicine, Rigshospitalet, Copenhagen University Hospital
Classification: Likely benign. Last evaluated: 2025-03-04. Review status: criteria provided, single submitter. Criteria: ACMG Guidelines, 2015. Collection method: clinical testing. Allele origin: germline.

All of Us Research Program, National Institutes of Health
Classification: Likely benign for Lynch syndrome. Last evaluated: 2024-07-20. Review status: criteria provided, single submitter. Criteria: ACMG Guidelines, 2015. Collection method: clinical testing. Allele origin: germline. Inheritance: Autosomal dominant inheritance. Observed: 11 variant alleles, 11 heterozygotes.
Comment: This study involves interpretation of variants in research participants for the purpose of population health screening. Participant phenotype was not available at the time of variant classification. Additional details can be found in publication PMID: 35346344, PMCID: PMC8962531

Blueprint Genetics
Classification: Likely benign. Last evaluated: 2024-05-02. Review status: criteria provided, single submitter. Criteria: ACMG Guidelines, 2015. Collection method: clinical testing. Allele origin: germline.

Myriad Genetics, Inc.
Classification: Likely benign for Lynch syndrome 5. Last evaluated: 2023-03-29. Review status: criteria provided, single submitter. Criteria: Myriad Autosomal Dominant, Autosomal Recessive and X-Linked Classification Criteria (2023). Collection method: clinical testing. Allele origin: unknown.
Comment: This variant is considered likely benign. This variant is intronic and is not expected to impact mRNA splicing.

Department of Pathology and Laboratory Medicine, Sinai Health System
Classification: Likely benign for hereditary breast carcinoma. Last evaluated: 2022-06-27. Review status: criteria provided, single submitter. Criteria: ACMG Guidelines, 2015. Collection method: clinical testing. Allele origin: germline. Affected: no.

Color Diagnostics, LLC DBA Color Health
Classification: Likely benign for Hereditary cancer-predisposing syndrome. Last evaluated: 2016-01-25. Review status: criteria provided, single submitter. Criteria: ACMG Guidelines, 2015. Collection method: clinical testing. Allele origin: germline.

GeneDx
Classification: Benign. Last evaluated: 2014-03-25. Review status: criteria provided, single submitter. Criteria: GeneDx Variant Classification (06012015). Collection method: clinical testing. Allele origin: germline. Affected: yes.
Comment: This variant is considered likely benign or benign based on one or more of the following criteria: it is a conservative change, it occurs at a poorly conserved position in the protein, it is predicted to be benign by multiple in silico algorithms, and/or has population frequency not consistent with disease.

Counsyl
Classification: Uncertain significance for Lynch syndrome 5. Last evaluated: 2015-12-29. Review status: no assertion criteria provided. Collection method: clinical testing. Allele origin: unknown. Not counted in ClinVar's aggregate classification.

Literature cited by the submitters: PubMed 20682701 (cited by Counsyl).